The following is an entry in ClinVar:

ClinVar aggregate classification (germline): Uncertain significance. Review status: criteria provided, multiple submitters, no conflicts (2 of 4 stars). 2 submissions from 2 submitters: Uncertain significance (2). Last evaluated 2025-06-30.

Conditions:
LDB3-related disorder. Also called: LDB3-related condition.
Myofibrillar myopathy 4. Also called: Zaspopathy (type). Identifiers: Orphanet 98912, MedGen C4721886, MONDO:0012277, OMIM 609452.

Allele frequency attached by ClinVar (database versions not stated): gnomAD exomes below 0.00001; ExAC 0.00001; gnomAD 0.00001; TOPMed 0.00001; ESP Exome Variant Server 0.00008.
gnomAD v4.1: 1 of 1,609,368 alleles (0.000062%); highest among the groups gnomAD compares: African/African-American, 0.0014%; no homozygotes.

Submissions (2):

Labcorp Genetics (formerly Invitae), Labcorp
Classification: Uncertain significance for Myofibrillar myopathy 4. Last evaluated: 2025-06-30. Review status: criteria provided, single submitter. Criteria: Invitae Variant Classification Sherloc (09022015). Collection method: clinical testing. Allele origin: germline.
Comment: The LDB3 gene has multiple clinically relevant transcripts. This variant occurs in alternate transcript NM_007078.3, and corresponds to NM_001080116.1:c.*16990T>G in the primary transcript. This sequence change replaces asparagine, which is neutral and polar, with lysine, which is basic and polar, at codon 423 of the LDB3 protein (p.Asn423Lys). This variant is present in population databases (rs375894985, gnomAD 0.007%). This variant has not been reported in the literature in individuals affected with LDB3-related conditions. Experimental studies and prediction algorithms are not available or were not evaluated, and the functional significance of this variant is currently unknown. In summary, the available evidence is currently insufficient to determine the role of this variant in disease. Therefore, it has been classified as a Variant of Uncertain Significance.

PreventionGenetics, part of Exact Sciences
Classification: Uncertain significance for LDB3-related condition. Last evaluated: 2025-01-08. Review status: criteria provided, single submitter. Criteria: ACMG Guidelines, 2015. Collection method: clinical testing. Allele origin: germline.
Comment: The LDB3 c.939T>G variant is predicted to result in the amino acid substitution p.Asn313Lys. To our knowledge, this variant has not been reported in the literature. This variant is reported in 0.0062% of alleles in individuals of African descent in gnomAD. At this time, the clinical significance of this variant is uncertain due to the absence of conclusive functional and genetic evidence.

NM_007078.3(LDB3):c.1269T>G (p.Asn423Lys)

Gene: LDB3 (LIM domain binding 3; plus strand). Cytogenetic location: 10q23.2.
Variant type: single nucleotide variant.
Coding change: c.1269T>G on transcript NM_007078.3 (MANE Select); coding-DNA position 1269, T replaced by G.
Protein change: p.Asn423Lys; replaces asparagine 423 with lysine.
Molecular consequence: missense variant.
Genome position (GRCh38, 1-based): chr10:86,716,364, T>G. VCF-style: chr10-86716364-T-G. GRCh37 (hg19) VCF-style: chr10-88476121-T-G.
Other names: c.939T>G (NM_001080114.1); c.939T>G, p.Asn313Lys (NM_001080114.2); c.1284T>G, p.Asn428Lys (NM_001171610.2); c.1080T>G, p.Asn360Lys (NM_001368064.1, NM_001368065.1); c.1128T>G, p.Asn376Lys (NM_001368066.1); short protein forms N376K, N423K, N360K, N428K, N313K.
Identifiers: ClinVar variation 1519080 (VCV001519080.8), dbSNP rs375894985, ClinGen allele CA5585109.
Genomic context (GRCh38, chr10:86,716,364, plus strand): 5'-TGGGTTTTTTTTGGCTTTTGCAGTGCCTGCATCTACCTACAGCCCGTCCCCAGGGGCCAA[T>G]TACAGTCCCACTCCCTACACCCCCTCCCCTGCCCCTGCCTACACCCCCTCCCCTGCCCCT-3'
Protein context (NP_009009.1, residues 413-433): ASTYSPSPGA[Asn423Lys]YSPTPYTPSP